The following is an entry in ClinVar:

NM_005618.4(DLL1):c.1158T>A (p.Asp386Glu)

Gene: DLL1 (delta like canonical Notch ligand 1; minus strand). Cytogenetic location: 6q27.
Variant type: single nucleotide variant.
Coding change: c.1158T>A on transcript NM_005618.4 (MANE Select); coding-DNA position 1158, T replaced by A.
Protein change: p.Asp386Glu; replaces aspartic acid 386 with glutamic acid.
Molecular consequence: missense variant.
Genome position (GRCh38, 1-based): chr6:170,285,010, A>T on the plus strand (T>A on the coding strand, the complement: DLL1 is on the minus strand). VCF-style: chr6-170285010-A-T. GRCh37 (hg19) VCF-style: chr6-170594098-A-T.
Other names: short protein forms D386E.
Identifiers: ClinVar variation 4891090 (VCV004891090.1).

ClinVar aggregate classification (germline): Uncertain significance (1 of 4 stars; one submission).

gnomAD v4.1: 1 of 1,614,112 alleles (0.000062%); highest among the groups gnomAD compares: Non-Finnish European, 0.000085%; no homozygotes.

Submission:

Greenwood Genetic Center Diagnostic Laboratories, Greenwood Genetic Center
Classification: Uncertain significance. Last evaluated: 2026-05-20. Review status: criteria provided, single submitter. Criteria: ACMG Guidelines, 2015. Collection method: clinical testing. Allele origin: germline.
Comment: PM2, BP4